The following is an entry in ClinVar:

NM_000053.4(ATP7B):c.2038C>T (p.Gln680Ter)

Gene: ATP7B (ATPase copper transporting beta; minus strand). Cytogenetic location: 13q14.3.
Variant type: single nucleotide variant.
Coding change: c.2038C>T on transcript NM_000053.4 (MANE Select); coding-DNA position 2038, C replaced by T.
Protein change: p.Gln680Ter; replaces glutamine 680 with a stop codon.
Molecular consequence: nonsense. On other transcripts: intron variant (2).
Genome position (GRCh38, 1-based): chr13:51,960,231, G>A on the plus strand (C>T on the coding strand, the complement: ATP7B is on the minus strand). VCF-style: chr13-51960231-G-A. GRCh37 (hg19) VCF-style: chr13-52534367-G-A.
Other names: c.1705C>T, p.Gln569Ter (NM_001243182.2); c.2038C>T, p.Gln680Ter (NM_001330578.2); c.1870-2624C>T (NM_001005918.3); c.1870-1687C>T (NM_001330579.2); short protein forms Q680*, Q569*.
Identifiers: ClinVar variation 556945 (VCV000556945.6), dbSNP rs1555291848, ClinGen allele CA388025245.
Genomic context (GRCh38, chr13:51,960,231, plus strand): 5'-AGAAGATGAGATTTAGAATGGACAGTCCTGGAATGATGTTGTGGTCCAGGACCATGGACT[G>A]GTGGGGCTCGTTGCTGGGTATCAGCATATAGATCATTAAGGCCATGACAGGGATGCCAAA-3'

ClinVar aggregate classification (germline): Pathogenic. Review status: criteria provided, multiple submitters, no conflicts (2 of 4 stars). 3 submissions from 3 submitters: Pathogenic (2). 1 of the submissions does not count toward it. Last evaluated 2024-01-01.

Conditions:
Wilson disease (WND). Also called: Wilson's disease. Identifiers: Orphanet 905, MedGen C0019202, MONDO:0010200, OMIM 277900. Disease mechanism: loss of function.

Submissions (3):

Chongqing Key Laboratory of Child Rare Diseases in Infection and Immunity, Children’s Hospital of Chongqing Medical University
Classification: Pathogenic for Wilson disease. Last evaluated: 2024-01-01. Review status: criteria provided, single submitter. Criteria: ACMG Guidelines, 2015. Collection method: clinical testing. Allele origin: germline. Inheritance: Autosomal recessive inheritance. Affected: yes.
Comment: Classified as Pathogenic according to the ACMG/AMP 2015 guidelines (PMID:25741868). The classification was based on the available submitted evidence for Wilson disease (OMIM:277900), including clinical-testing observations, variant consequence/protein annotation, and published or ClinVar evidence where available. Supporting information considered: variant annotation: p.Gln680Ter; Nonsense; Protein domain: TM-associated / cytosolic loop; submitted notation: NM_000053.4:c.2038C>T (p.Gln680Ter); source variant type: Nonsense; source domain: TM-associated / cytosolic loop; allele count n=230: 1.

Labcorp Genetics (formerly Invitae), Labcorp
Classification: Pathogenic for Wilson disease. Last evaluated: 2023-03-27. Review status: criteria provided, single submitter. Criteria: Invitae Variant Classification Sherloc (09022015). Collection method: clinical testing. Allele origin: germline.
Comment: This sequence change creates a premature translational stop signal (p.Gln680*) in the ATP7B gene. It is expected to result in an absent or disrupted protein product. Loss-of-function variants in ATP7B are known to be pathogenic (PMID: 10441329, 16283883). This variant is not present in population databases (gnomAD no frequency). This premature translational stop signal has been observed in individual(s) with Wilson disease (PMID: 20491539). ClinVar contains an entry for this variant (Variation ID: 556945). For these reasons, this variant has been classified as Pathogenic.

Counsyl
Classification: Likely pathogenic for Wilson disease. Last evaluated: 2018-02-27. Review status: no assertion criteria provided. Collection method: clinical testing. Allele origin: unknown. Not counted in ClinVar's aggregate classification.

Literature cited by the submitters: PubMed 10441329 (cited by Labcorp Genetics (formerly Invitae), Labcorp); PubMed 16283883 (cited by Labcorp Genetics (formerly Invitae), Labcorp); PubMed 20491539 (cited by Labcorp Genetics (formerly Invitae), Labcorp and Counsyl); PubMed 27022412 (cited by Counsyl); PubMed 26782526 (cited by Counsyl); PubMed 25525159 (cited by Counsyl).